The following is an entry in ClinVar:

NM_007186.6(CEP250):c.2576G>C (p.Arg859Pro)

Genes: CEP250 (centrosomal protein 250; plus strand), CEP250-AS1 (CEP250 antisense RNA 1; minus strand). Cytogenetic location: 20q11.22.
Variant type: single nucleotide variant.
Coding change: c.2576G>C on transcript NM_007186.6 (MANE Select); coding-DNA position 2576, G replaced by C.
Protein change: p.Arg859Pro; replaces arginine 859 with proline.
Molecular consequence: missense variant.
Genome position (GRCh38, 1-based): chr20:35,480,135, G>C. VCF-style: chr20-35480135-G-C. GRCh37 (hg19) VCF-style: chr20-34067960-G-C.
Other names: c.680G>C, p.Arg227Pro (NM_001318219.1); c.2576G>C (NM_007186.3); short protein forms R227P, R859P.
Identifiers: ClinVar variation 1516875 (VCV001516875.7), dbSNP rs372990292, ClinGen allele CA408770149.
Genomic context (GRCh38, chr20:35,480,135, plus strand): 5'-AAGGGAAGACTGCCTTGGAGCAGCAGAAGGCAGCCCATGAGAAAGAGGTGAACCAGCTCC[G>C]GGAGAAATGGGTAAGTGGTCAATGTGGCCGGGTATGGCCTCCCTTCCATGAGTGCTCTAC-3'
Protein context (NP_009117.2, residues 849-869): AAHEKEVNQL[Arg859Pro]EKWEKERSWH

ClinVar aggregate classification (germline): Uncertain significance. Review status: criteria provided, multiple submitters, no conflicts (2 of 4 stars). 2 submissions from 2 submitters: Uncertain significance (2). Last evaluated 2024-10-04.

Submissions (2):

Ambry Genetics
Classification: Uncertain significance. Last evaluated: 2024-10-04. Review status: criteria provided, single submitter. Criteria: Ambry Variant Classification Scheme 2023. Collection method: clinical testing. Allele origin: germline.

Labcorp Genetics (formerly Invitae), Labcorp
Classification: Uncertain significance. Last evaluated: 2023-08-04. Review status: criteria provided, single submitter. Criteria: Invitae Variant Classification Sherloc (09022015). Collection method: clinical testing. Allele origin: germline.
Comment: In summary, the available evidence is currently insufficient to determine the role of this variant in disease. Therefore, it has been classified as a Variant of Uncertain Significance. An algorithm developed to predict the effect of missense changes on protein structure and function (PolyPhen-2) suggests that this variant is likely to be tolerated. ClinVar contains an entry for this variant (Variation ID: 1516875). This variant has not been reported in the literature in individuals affected with CEP250-related conditions. This variant is not present in population databases (gnomAD no frequency). This sequence change replaces arginine with proline at codon 859 of the CEP250 protein (p.Arg859Pro). The arginine residue is weakly conserved and there is a moderate physicochemical difference between arginine and proline.